The following is an entry in ClinVar:

ClinVar aggregate classification (germline): Conflicting classifications of pathogenicity. Review status: criteria provided, conflicting classifications (1 of 4 stars). 2 submissions from 2 submitters: Uncertain significance (1); Likely benign (1). Last evaluated 2025-05-18.

Conditions:
Noonan syndrome (NS). Also called: Noonan's syndrome. Identifiers: Orphanet 648, MedGen C0028326, MeSH D009634, MONDO:0018997. Disease mechanism: gain of function.

Allele frequency attached by ClinVar (database versions not stated): TOPMed below 0.00001; gnomAD 0.00002; gnomAD exomes 0.00004; ESP Exome Variant Server 0.00008; ExAC 0.00009.

Submissions (2):

Labcorp Genetics (formerly Invitae), Labcorp
Classification: Uncertain significance for Noonan syndrome. Last evaluated: 2025-05-18. Review status: criteria provided, single submitter. Criteria: Invitae Variant Classification Sherloc (09022015). Collection method: clinical testing. Allele origin: germline.
Comment: This sequence change replaces alanine, which is neutral and non-polar, with threonine, which is neutral and polar, at codon 205 of the RRAS protein (p.Ala205Thr). This variant is present in population databases (rs373517601, gnomAD 0.07%), and has an allele count higher than expected for a pathogenic variant. This variant has not been reported in the literature in individuals affected with RRAS-related conditions. ClinVar contains an entry for this variant (Variation ID: 2382698). An algorithm developed to predict the effect of missense changes on protein structure and function outputs the following: PolyPhen-2: "Benign". The threonine amino acid residue is found in multiple mammalian species, which suggests that this missense change does not adversely affect protein function. In summary, the available evidence is currently insufficient to determine the role of this variant in disease. Therefore, it has been classified as a Variant of Uncertain Significance.

Ambry Genetics
Classification: Likely benign. Last evaluated: 2021-12-07. Review status: criteria provided, single submitter. Criteria: Ambry Variant Classification Scheme 2023. Collection method: clinical testing. Allele origin: germline.

NM_006270.5(RRAS):c.613G>A (p.Ala205Thr)

Gene: RRAS (RAS related; minus strand). Cytogenetic location: 19q13.33.
Variant type: single nucleotide variant.
Coding change: c.613G>A on transcript NM_006270.5 (MANE Select); coding-DNA position 613, G replaced by A.
Protein change: p.Ala205Thr; replaces alanine 205 with threonine.
Molecular consequence: missense variant.
Genome position (GRCh38, 1-based): chr19:49,635,620, C>T on the plus strand (G>A on the coding strand, the complement: RRAS is on the minus strand). VCF-style: chr19-49635620-C-T. GRCh37 (hg19) VCF-style: chr19-50138877-C-T.
Other names: short protein forms A205T.
Identifiers: ClinVar variation 2382698 (VCV002382698.3), dbSNP rs373517601, ClinGen allele CA9578931.